The following is an entry in ClinVar:

NM_001370466.1(NOD2):c.2380T>A (p.Tyr794Asn)

Gene: NOD2 (nucleotide binding oligomerization domain containing 2; plus strand). Cytogenetic location: 16q12.1.
Variant type: single nucleotide variant.
Coding change: c.2380T>A on transcript NM_001370466.1 (MANE Select); coding-DNA position 2380, T replaced by A.
Protein change: p.Tyr794Asn; replaces tyrosine 794 with asparagine.
Molecular consequence: missense variant. On other transcripts: non-coding transcript variant (1).
Genome position (GRCh38, 1-based): chr16:50,712,372, T>A. VCF-style: chr16-50712372-T-A. GRCh37 (hg19) VCF-style: chr16-50746283-T-A.
Other names: c.2380T>A, p.Tyr794Asn (NM_001293557.2); c.2461T>A, p.Tyr821Asn (NM_022162.3); short protein forms Y794N, Y821N.
Identifiers: ClinVar variation 4783702 (VCV004783702.1).

ClinVar aggregate classification (germline): Uncertain significance (1 of 4 stars; one submission).

Conditions:
Regional enteritis. Also called: Enteritis, Granulomatous. Identifiers: MedGen C0678202, MeSH D003424.
Blau syndrome (BLAUS). Also called: ARTHROCUTANEOUVEAL GRANULOMATOSIS; GRANULOMATOSIS, FAMILIAL JUVENILE SYSTEMIC; GRANULOMATOSIS, FAMILIAL, BLAU TYPE; GRANULOMATOUS INFLAMMATORY ARTHRITIS, DERMATITIS, AND UVEITIS, FAMILIAL; JABS SYNDROME. Identifiers: Orphanet 90340, MedGen C5201146, MONDO:0008523, OMIM 186580.

Submission:

Labcorp Genetics (formerly Invitae), Labcorp
Classification: Uncertain significance for Regional enteritis; Blau syndrome. Last evaluated: 2025-08-20. Review status: criteria provided, single submitter. Criteria: Invitae Variant Classification Sherloc (09022015). Collection method: clinical testing. Allele origin: germline.
Comment: This sequence change replaces tyrosine, which is neutral and polar, with asparagine, which is neutral and polar, at codon 821 of the NOD2 protein (p.Tyr821Asn). This variant is not present in population databases (gnomAD no frequency). This variant has not been reported in the literature in individuals affected with NOD2-related conditions. Invitae Evidence Modeling of protein sequence and biophysical properties (such as structural, functional, and spatial information, amino acid conservation, physicochemical variation, residue mobility, and thermodynamic stability) has been performed for this missense variant. However, the output from this modeling did not meet the statistical confidence thresholds required to predict the impact of this variant on NOD2 protein function. In summary, the available evidence is currently insufficient to determine the role of this variant in disease. Therefore, it has been classified as a Variant of Uncertain Significance.